The following is an entry in ClinVar:

NM_000051.4(ATM):c.1608-22_1608-20delinsTTC

Gene: ATM (ATM serine/threonine kinase; plus strand). Cytogenetic location: 11q22.3.
Variant type: Indel.
Coding change: c.1608-22_1608-20delinsTTC on transcript NM_000051.4 (MANE Select); 22 bases into the intron before coding-DNA position 1608 through 20 bases into the intron before coding-DNA position 1608, ATT replaced by TTC.
Molecular consequence: intron variant.
Genome position (GRCh38, 1-based): chr11:108,251,815-108,251,817, ATT replaced by TTC. VCF-style: chr11-108251815-ATT-TTC. GRCh37 (hg19) VCF-style: chr11-108122542-ATT-TTC.
Other names: c.1608-22_1608-20delinsTTC (NM_001351834.2).
Identifiers: ClinVar variation 3254284 (VCV003254284.1), dbSNP rs2497265535.

ClinVar aggregate classification (germline): Likely benign (1 of 4 stars; one submission).

Conditions:
Familial cancer of breast. Also called: BREAST CANCER, FAMILIAL; Hereditary breast cancer; hereditary breast carcinoma. Identifiers: Orphanet 227535, MedGen C0346153, MONDO:0016419, OMIM 114480. Disease mechanism: loss of function.

Submission:

Myriad Genetics, Inc.
Classification: Likely benign for Familial cancer of breast. Last evaluated: 2024-04-30. Review status: criteria provided, single submitter. Criteria: Myriad Autosomal Dominant, Autosomal Recessive and X-Linked Classification Criteria (2023). Collection method: clinical testing. Allele origin: unknown.
Comment: This variant is considered likely benign. This variant is intronic and is not expected to impact mRNA splicing.